The following is an entry in ClinVar:

ClinVar aggregate classification (germline): Uncertain significance (1 of 4 stars; one submission).

Submission:

GeneDx
Classification: Uncertain significance. Last evaluated: 2024-08-02. Review status: criteria provided, single submitter. Criteria: GeneDx Variant Classification Process June 2021. Collection method: clinical testing. Allele origin: germline. Affected: yes.
Comment: Not observed at significant frequency in large population cohorts (gnomAD); In silico analysis indicates that this missense variant does not alter protein structure/function; Has not been previously published as pathogenic or benign to our knowledge

NM_005811.5(GDF11):c.710G>C (p.Ser237Thr)

Gene: GDF11 (growth differentiation factor 11; plus strand). Cytogenetic location: 12q13.2.
Variant type: single nucleotide variant.
Coding change: c.710G>C on transcript NM_005811.5 (MANE Select); coding-DNA position 710, G replaced by C.
Protein change: p.Ser237Thr; replaces serine 237 with threonine.
Molecular consequence: missense variant.
Genome position (GRCh38, 1-based): chr12:55,748,850, G>C. VCF-style: chr12-55748850-G-C. GRCh37 (hg19) VCF-style: chr12-56142634-G-C.
Other names: short protein forms S237T.
Identifiers: ClinVar variation 3603098 (VCV003603098.1).